The following is an entry in ClinVar:

NM_020754.4(ARHGAP31):c.225A>G (p.Gln75=)

Gene: ARHGAP31 (Rho GTPase activating protein 31; plus strand). Cytogenetic location: 3q13.33.
Variant type: single nucleotide variant.
Coding change: c.225A>G on transcript NM_020754.4 (MANE Select); coding-DNA position 225, A replaced by G.
Protein change: p.Gln75=; no amino-acid change (glutamine 75 retained).
Molecular consequence: synonymous variant.
Genome position (GRCh38, 1-based): chr3:119,368,393, A>G. VCF-style: chr3-119368393-A-G. GRCh37 (hg19) VCF-style: chr3-119087240-A-G.
Identifiers: ClinVar variation 727075 (VCV000727075.11), dbSNP rs142578368, ClinGen allele CA2553507.

ClinVar aggregate classification (germline): Likely benign. Review status: criteria provided, multiple submitters, no conflicts (2 of 4 stars). 3 submissions from 3 submitters: Likely benign (3). Last evaluated 2026-01-09.

Conditions:
ARHGAP31-related disorder. Also called: ARHGAP31-related condition.

Allele frequency attached by ClinVar (database versions not stated): ExAC 0.00004; gnomAD exomes 0.00004; TOPMed 0.00008; gnomAD 0.00009 and 0.00011; 1000 Genomes Project 30x 0.00062; 1000 Genomes Project 0.00080.
gnomAD v4.1: 72 of 1,614,200 alleles (0.0045%); highest among the groups gnomAD compares: Middle Eastern, 0.049%; no homozygotes.

Submissions (3):

Labcorp Genetics (formerly Invitae), Labcorp
Classification: Likely benign. Last evaluated: 2026-01-09. Review status: criteria provided, single submitter. Criteria: Invitae Variant Classification Sherloc (09022015). Collection method: clinical testing. Allele origin: germline.

PreventionGenetics, part of Exact Sciences
Classification: Likely benign for ARHGAP31-related condition. Last evaluated: 2025-06-17. Review status: criteria provided, single submitter. Criteria: ACMG Guidelines, 2015. Collection method: clinical testing. Allele origin: germline.
Comment: This variant is classified as likely benign based on ACMG/AMP sequence variant interpretation guidelines (Richards et al. 2015 PMID: 25741868, with internal and published modifications).

Blueprint Genetics
Classification: Likely benign. Last evaluated: 2024-10-09. Review status: criteria provided, single submitter. Criteria: ACMG Guidelines, 2015. Collection method: clinical testing. Allele origin: germline.